The following is an entry in ClinVar:

NM_182961.4(SYNE1):c.8733A>T (p.Thr2911=)

Genes: SYNE1 (spectrin repeat containing nuclear envelope protein 1; minus strand), SYNE1-AS1 (SYNE1 antisense RNA 1; plus strand). Cytogenetic location: 6q25.2.
Variant type: single nucleotide variant.
Coding change: c.8733A>T on transcript NM_182961.4 (MANE Select); coding-DNA position 8733, A replaced by T.
Protein change: p.Thr2911=; no amino-acid change (threonine 2911 retained).
Molecular consequence: synonymous variant. On other transcripts: non-coding transcript variant (1).
Genome position (GRCh38, 1-based): chr6:152,381,282, T>A on the plus strand (A>T on the coding strand, the complement: SYNE1 is on the minus strand). VCF-style: chr6-152381282-T-A. GRCh37 (hg19) VCF-style: chr6-152702417-T-A.
Other names: c.8754A>T, p.Thr2918= (NM_033071.5).
Identifiers: ClinVar variation 2657024 (VCV002657024.27), dbSNP rs375566129, ClinGen allele CA4057470.

ClinVar aggregate classification (germline): Likely benign. Review status: criteria provided, multiple submitters, no conflicts (2 of 4 stars). 3 submissions from 3 submitters: Likely benign (3). Last evaluated 2025-07-02.

Conditions:
Emery-Dreifuss muscular dystrophy 4, autosomal dominant (EDMD4). Also called: EMERY-DREIFUSS MUSCULAR DYSTROPHY 4 WITH VARIABLE FEATURES. Identifiers: Orphanet 261, MedGen C2751807, MONDO:0013071, OMIM 612998.
Autosomal recessive ataxia, Beauce type. Also called: Spinocerebellar ataxia, autosomal recessive 8; ATAXIA, RECESSIVE, OF BEAUCE; SYNE1-Related Autosomal Recessive Cerebellar Ataxia; SYNE1 Deficiency. Identifiers: Orphanet 88644, MedGen C1853116, MONDO:0012549, OMIM 610743.

Allele frequency attached by ClinVar (database versions not stated): gnomAD 0.00004; ExAC 0.00005; TOPMed 0.00005; ESP Exome Variant Server 0.00008; gnomAD exomes 0.00010.
gnomAD v4.1: 155 of 1,614,068 alleles (0.0096%); highest among the groups gnomAD compares: Non-Finnish European, 0.012%; no homozygotes.

Submissions (3):

Labcorp Genetics (formerly Invitae), Labcorp
Classification: Likely benign for Emery-Dreifuss muscular dystrophy 4, autosomal dominant; Autosomal recessive ataxia, Beauce type. Last evaluated: 2025-07-02. Review status: criteria provided, single submitter. Criteria: Invitae Variant Classification Sherloc (09022015). Collection method: clinical testing. Allele origin: germline.

CeGaT Center for Human Genetics Tuebingen
Classification: Likely benign. Last evaluated: 2022-05-01. Review status: criteria provided, single submitter. Criteria: CeGaT Center For Human Genetics Tuebingen Variant Classification Criteria Version 2. Collection method: clinical testing. Allele origin: germline. Affected: yes. Observed: 2 variant alleles.
Comment: SYNE1: BP4, BP7

Blueprint Genetics
Classification: Likely benign. Last evaluated: 2022-02-07. Review status: criteria provided, single submitter. Criteria: ACMG Guidelines, 2015. Collection method: clinical testing. Allele origin: germline.